The following is an entry in ClinVar:

NM_003560.4(PLA2G6):c.268C>G (p.Gln90Glu)

Gene: PLA2G6 (phospholipase A2 group VI; minus strand). Cytogenetic location: 22q13.1.
Variant type: single nucleotide variant.
Coding change: c.268C>G on transcript NM_003560.4 (MANE Select); coding-DNA position 268, C replaced by G.
Protein change: p.Gln90Glu; replaces glutamine 90 with glutamic acid.
Molecular consequence: missense variant. On other transcripts: 5 prime UTR variant (3).
Genome position (GRCh38, 1-based): chr22:38,145,595, G>C on the plus strand (C>G on the coding strand, the complement: PLA2G6 is on the minus strand). VCF-style: chr22-38145595-G-C. GRCh37 (hg19) VCF-style: chr22-38541602-G-C.
Other names: c.268C>G, p.Gln90Glu (NM_001004426.3, NM_001199562.3, NM_001349864.2 and 2 more transcripts); c.-267C>G (NM_001349867.2, NM_001349869.2); c.-223C>G (NM_001349868.2); short protein forms Q90E.
Identifiers: ClinVar variation 1804492 (VCV001804492.1), dbSNP rs746554354, ClinGen allele CA10231301.

ClinVar aggregate classification (germline): Uncertain significance (1 of 4 stars; one submission).

Allele frequency attached by ClinVar (database versions not stated): ExAC 0.00001; gnomAD exomes 0.00001; TOPMed 0.00001.
gnomAD v4.1: 7 of 1,613,842 alleles (0.00043%); highest among the groups gnomAD compares: Admixed American, 0.0067%; no homozygotes.

Submission:

GeneDx
Classification: Uncertain significance. Last evaluated: 2022-06-15. Review status: criteria provided, single submitter. Criteria: GeneDx Variant Classification Process June 2021. Collection method: clinical testing. Allele origin: germline. Affected: yes.
Comment: Not observed at significant frequency in large population cohorts (gnomAD); In silico analysis supports that this missense variant does not alter protein structure/function; Has not been previously published as pathogenic or benign to our knowledge